The following is an entry in ClinVar:

NM_024675.4(PALB2):c.1221A>T (p.Glu407Asp)

Gene: PALB2 (partner and localizer of BRCA2; minus strand). Cytogenetic location: 16p12.2.
Variant type: single nucleotide variant.
Coding change: c.1221A>T on transcript NM_024675.4 (MANE Select); coding-DNA position 1221, A replaced by T.
Protein change: p.Glu407Asp; replaces glutamic acid 407 with aspartic acid.
Molecular consequence: missense variant.
Genome position (GRCh38, 1-based): chr16:23,635,325, T>A on the plus strand (A>T on the coding strand, the complement: PALB2 is on the minus strand). VCF-style: chr16-23635325-T-A. GRCh37 (hg19) VCF-style: chr16-23646646-T-A.
Other names: short protein forms E407D.
Identifiers: ClinVar variation 924882 (VCV000924882.4), dbSNP rs1597096669, ClinGen allele CA395133126.

ClinVar aggregate classification (germline): Uncertain significance (1 of 4 stars; one submission).

Conditions:
Hereditary cancer-predisposing syndrome. Also called: Neoplastic Syndromes, Hereditary; Tumor predisposition; Hereditary Cancer Syndrome; Hereditary neoplastic syndrome. Identifiers: Orphanet 140162, MedGen C0027672, MeSH D009386, MONDO:0015356.

gnomAD v4.1: 1 of 1,614,130 alleles (0.000062%); highest among the groups gnomAD compares: South Asian, 0.0011%; no homozygotes.

Submission:

Color Diagnostics, LLC DBA Color Health
Classification: Uncertain significance for Hereditary cancer-predisposing syndrome. Last evaluated: 2023-12-05. Review status: criteria provided, single submitter. Criteria: ACMG Guidelines, 2015. Collection method: clinical testing. Allele origin: germline.
Comment: This missense variant replaces glutamic acid with aspartic acid at codon 407 of the PALB2 protein. Computational prediction suggests that this variant may not impact protein structure and function (internally defined REVEL score threshold <= 0.5, PMID: 27666373). To our knowledge, functional studies have not been reported for this variant. This variant has not been reported in individuals affected with PALB2-related disorders in the literature. This variant has not been identified in the general population by the Genome Aggregation Database (gnomAD). The available evidence is insufficient to determine the role of this variant in disease conclusively. Therefore, this variant is classified as a Variant of Uncertain Significance.